The following is an entry in ClinVar:

NM_002485.5(NBN):c.710A>G (p.Lys237Arg)

Gene: NBN (nibrin; minus strand). Cytogenetic location: 8q21.3.
Variant type: single nucleotide variant.
Coding change: c.710A>G on transcript NM_002485.5 (MANE Select); coding-DNA position 710, A replaced by G.
Protein change: p.Lys237Arg; replaces lysine 237 with arginine.
Molecular consequence: missense variant.
Genome position (GRCh38, 1-based): chr8:89,970,550, T>C on the plus strand (A>G on the coding strand, the complement: NBN is on the minus strand). VCF-style: chr8-89970550-T-C. GRCh37 (hg19) VCF-style: chr8-90982778-T-C.
Other names: c.464A>G, p.Lys155Arg (NM_001024688.3); short protein forms K155R, K237R.
Identifiers: ClinVar variation 1461324 (VCV001461324.7), dbSNP rs2129831599, ClinGen allele CA371658886.

ClinVar aggregate classification (germline): Uncertain significance (1 of 4 stars; one submission).

Conditions:
Microcephaly, normal intelligence and immunodeficiency (NBS). Also called: BERLIN BREAKAGE SYNDROME; Immunodeficiency, microcephaly with normal intelligence; Nijmegen breakage syndrome; Microcephaly with normal intelligence immunodeficiency and lymphoreticular malignancies; Nonsyndromal microcephaly autosomal recessive with normal intelligence; Seemanova syndrome 2. Identifiers: Orphanet 647, MedGen C0398791, MONDO:0009623, OMIM 251260.

Allele frequency attached by ClinVar (database versions not stated): gnomAD exomes below 0.00001.
gnomAD v4.1: 4 of 1,613,338 alleles (0.00025%); highest among the groups gnomAD compares: South Asian, 0.0044%; no homozygotes.

Submission:

Labcorp Genetics (formerly Invitae), Labcorp
Classification: Uncertain significance for Microcephaly, normal intelligence and immunodeficiency. Last evaluated: 2024-02-24. Review status: criteria provided, single submitter. Criteria: Invitae Variant Classification Sherloc (09022015). Collection method: clinical testing. Allele origin: germline.
Comment: This sequence change replaces lysine, which is basic and polar, with arginine, which is basic and polar, at codon 237 of the NBN protein (p.Lys237Arg). This variant is not present in population databases (gnomAD no frequency). This variant has not been reported in the literature in individuals affected with NBN-related conditions. ClinVar contains an entry for this variant (Variation ID: 1461324). An algorithm developed to predict the effect of missense changes on protein structure and function (PolyPhen-2) suggests that this variant is likely to be tolerated. In summary, the available evidence is currently insufficient to determine the role of this variant in disease. Therefore, it has been classified as a Variant of Uncertain Significance.